The following is an entry in ClinVar:

ClinVar aggregate classification (germline): Uncertain significance (1 of 4 stars; one submission).

Conditions:
Hereditary cancer-predisposing syndrome. Also called: Hereditary Cancer Syndrome; Tumor predisposition; Hereditary neoplastic syndrome; Neoplastic Syndromes, Hereditary. Identifiers: Orphanet 140162, MedGen C0027672, MeSH D009386, MONDO:0015356.

Submission:

Ambry Genetics
Classification: Uncertain significance for Hereditary cancer-predisposing syndrome. Last evaluated: 2024-09-09. Review status: criteria provided, single submitter. Criteria: Ambry Variant Classification Scheme 2023. Collection method: clinical testing. Allele origin: germline.
Comment: The p.D575N variant (also known as c.1723G>A), located in coding exon 4 of the MSH6 gene, results from a G to A substitution at nucleotide position 1723. The aspartic acid at codon 575 is replaced by asparagine, an amino acid with highly similar properties. This amino acid position is conserved. In addition, the in silico prediction for this alteration is inconclusive. Based on the available evidence, the clinical significance of this variant remains unclear.

NM_000179.3(MSH6):c.1723G>A (p.Asp575Asn)

Gene: MSH6 (mutS homolog 6; plus strand). Cytogenetic location: 2p16.3.
Variant type: single nucleotide variant.
Coding change: c.1723G>A on transcript NM_000179.3 (MANE Select); coding-DNA position 1723, G replaced by A.
Protein change: p.Asp575Asn; replaces aspartic acid 575 with asparagine.
Molecular consequence: missense variant. On other transcripts: non-coding transcript variant (4), intron variant (2).
Genome position (GRCh38, 1-based): chr2:47,799,706, G>A. VCF-style: chr2-47799706-G-A. GRCh37 (hg19) VCF-style: chr2-48026845-G-A.
Other names: c.1333G>A, p.Asp445Asn (NM_001281492.2); c.817G>A, p.Asp273Asn (NM_001281493.2, NM_001281494.2, NM_001406811.1 and 6 more transcripts); c.1819G>A, p.Asp607Asn (NM_001406795.1, NM_001406802.1); c.1723G>A, p.Asp575Asn (NM_001406796.1, NM_001406798.1, NM_001406800.1 and 3 more transcripts); c.1426G>A, p.Asp476Asn (NM_001406797.1, NM_001406801.1, NM_001406805.1 and 10 more transcripts); c.1198G>A, p.Asp400Asn (NM_001406799.1, NM_001406806.1, NM_001406807.1); c.1645G>A, p.Asp549Asn (NM_001406804.1); c.1729G>A, p.Asp577Asn (NM_001406813.1); and 3 more; short protein forms D445N, D549N, D577N, D575N, D273N, D400N, D476N, D519N.
Identifiers: ClinVar variation 3398914 (VCV003398914.1).